The following is an entry in ClinVar:

ClinVar aggregate classification (germline): Uncertain significance (1 of 4 stars; one submission).

Conditions:
Cohen syndrome (COH1). Also called: Cutis verticis gyrata, retinitis pigmentosa, and sensorineural deafness; PEPPER SYNDROME. Identifiers: Orphanet 193, MedGen C0265223, MONDO:0008999, OMIM 216550.

Submission:

Labcorp Genetics (formerly Invitae), Labcorp
Classification: Uncertain significance for Cohen syndrome. Last evaluated: 2018-03-28. Review status: criteria provided, single submitter. Criteria: Invitae Variant Classification Sherloc (09022015). Collection method: clinical testing. Allele origin: germline.
Comment: In summary, the available evidence is currently insufficient to determine the role of this variant in disease. Therefore, it has been classified as a Variant of Uncertain Significance. Algorithms developed to predict the effect of missense changes on protein structure and function output the following: SIFT: "Tolerated"; PolyPhen-2: "Benign"; Align-GVGD: "Class C0". The methionine amino acid residue is found in multiple mammalian species, suggesting that this missense change does not adversely affect protein function. These predictions have not been confirmed by published functional studies and their clinical significance is uncertain. This variant has not been reported in the literature in individuals with VPS13B-related disease. This variant is not present in population databases (ExAC no frequency). This sequence change replaces leucine with methionine at codon 1040 of the VPS13B protein (p.Leu1040Met). The leucine residue is moderately conserved and there is a small physicochemical difference between leucine and methionine.

NM_152564.5(VPS13B):c.3118T>A (p.Leu1040Met)

Gene: VPS13B (vacuolar protein sorting 13 homolog B; plus strand). Cytogenetic location: 8q22.2.
Variant type: single nucleotide variant.
Coding change: c.3118T>A on transcript NM_152564.5 (MANE Select); coding-DNA position 3118, T replaced by A.
Protein change: p.Leu1040Met; replaces leucine 1040 with methionine.
Molecular consequence: missense variant.
Genome position (GRCh38, 1-based): chr8:99,431,572, T>A. VCF-style: chr8-99431572-T-A. GRCh37 (hg19) VCF-style: chr8-100443800-T-A.
Other names: c.3118T>A, p.Leu1040Met (NM_017890.5); short protein forms L1040M.
Identifiers: ClinVar variation 576095 (VCV000576095.7), dbSNP rs746830200, ClinGen allele CA371868062.